The following is an entry in ClinVar:

NM_000350.3(ABCA4):c.1240-1G>A

Gene: ABCA4 (ATP binding cassette subfamily A member 4; minus strand). Cytogenetic location: 1p22.1.
Variant type: single nucleotide variant.
Coding change: c.1240-1G>A on transcript NM_000350.3 (MANE Select); the canonical splice acceptor site of the intron before coding-DNA position 1240, G replaced by A.
Molecular consequence: splice acceptor variant.
Genome position (GRCh38, 1-based): chr1:94,078,707, C>T on the plus strand (G>A on the coding strand, the complement: ABCA4 is on the minus strand). VCF-style: chr1-94078707-C-T. GRCh37 (hg19) VCF-style: chr1-94544263-C-T.
Identifiers: ClinVar variation 2014238 (VCV002014238.4), dbSNP rs2523895442, ClinGen allele CA341282505.

ClinVar aggregate classification (germline): Pathogenic (1 of 4 stars; one submission).

Submission:

Labcorp Genetics (formerly Invitae), Labcorp
Classification: Pathogenic. Last evaluated: 2022-07-05. Review status: criteria provided, single submitter. Criteria: Invitae Variant Classification Sherloc (09022015). Collection method: clinical testing. Allele origin: germline.
Comment: This sequence change affects an acceptor splice site in intron 9 of the ABCA4 gene. It is expected to disrupt RNA splicing. Variants that disrupt the donor or acceptor splice site typically lead to a loss of protein function (PMID: 16199547), and loss-of-function variants in ABCA4 are known to be pathogenic (PMID: 10958761, 24938718, 25312043, 26780318). This variant is not present in population databases (gnomAD no frequency). Disruption of this splice site has been observed in individual(s) with Stargardt disease (Invitae). Algorithms developed to predict the effect of sequence changes on RNA splicing suggest that this variant may disrupt the consensus splice site. For these reasons, this variant has been classified as Pathogenic.

Literature cited by the submitters: PubMed 16199547; PubMed 10958761; PubMed 24938718; PubMed 25312043; PubMed 26780318.